The following is an entry in ClinVar:

NM_001003694.2(BRPF1):c.2449A>C (p.Met817Leu)

Gene: BRPF1 (bromodomain and PHD finger containing 1; plus strand). Cytogenetic location: 3p25.3.
Variant type: single nucleotide variant.
Coding change: c.2449A>C on transcript NM_001003694.2 (MANE Select); coding-DNA position 2449, A replaced by C.
Protein change: p.Met817Leu; replaces methionine 817 with leucine.
Molecular consequence: missense variant. On other transcripts: non-coding transcript variant (1).
Genome position (GRCh38, 1-based): chr3:9,743,715, A>C. VCF-style: chr3-9743715-A-C. GRCh37 (hg19) VCF-style: chr3-9785399-A-C.
Other names: c.2431A>C, p.Met811Leu (NM_001319049.2, NM_004634.3); c.2428A>C, p.Met810Leu (NM_001319050.2); c.2446A>C, p.Met816Leu (NM_001410704.1); short protein forms M816L, M817L, M810L, M811L.
Identifiers: ClinVar variation 3572844 (VCV003572844.1).

ClinVar aggregate classification (germline): Uncertain significance (1 of 4 stars; one submission).

Submission:

GeneDx
Classification: Uncertain significance. Last evaluated: 2024-07-11. Review status: criteria provided, single submitter. Criteria: GeneDx Variant Classification Process June 2021. Collection method: clinical testing. Allele origin: germline. Affected: yes.
Comment: Not observed at significant frequency in large population cohorts (gnomAD); In silico analysis indicates that this missense variant does not alter protein structure/function; Has not been previously published as pathogenic or benign to our knowledge